The following is an entry in ClinVar:

ClinVar aggregate classification (germline): Uncertain significance (1 of 4 stars; one submission).

Submission:

GeneDx
Classification: Uncertain significance. Last evaluated: 2024-05-17. Review status: criteria provided, single submitter. Criteria: GeneDx Variant Classification Process June 2021. Collection method: clinical testing. Allele origin: germline. Affected: yes.
Comment: Not observed at significant frequency in large population cohorts (gnomAD); In silico analysis supports that this missense variant has a deleterious effect on protein structure/function; Has not been previously published as pathogenic or benign to our knowledge

NM_002906.4(RDX):c.773A>T (p.Lys258Met)

Gene: RDX (radixin; minus strand). Cytogenetic location: 11q22.3.
Variant type: single nucleotide variant.
Coding change: c.773A>T on transcript NM_002906.4 (MANE Select); coding-DNA position 773, A replaced by T.
Protein change: p.Lys258Met; replaces lysine 258 with methionine.
Molecular consequence: missense variant. On other transcripts: intron variant (2).
Genome position (GRCh38, 1-based): chr11:110,255,311, T>A on the plus strand (A>T on the coding strand, the complement: RDX is on the minus strand). VCF-style: chr11-110255311-T-A. GRCh37 (hg19) VCF-style: chr11-110126036-T-A.
Other names: c.773A>T, p.Lys258Met (NM_001260492.2, NM_001260493.2); c.365A>T, p.Lys122Met (NM_001260494.2); c.-82-7478A>T (NM_001260495.2); c.404+2846A>T (NM_001260496.2); short protein forms K122M, K258M.
Identifiers: ClinVar variation 3377870 (VCV003377870.1).